The following is an entry in ClinVar:

ClinVar aggregate classification (germline): Pathogenic/Likely pathogenic. Review status: criteria provided, multiple submitters, no conflicts (2 of 4 stars). 4 submissions from 4 submitters: Pathogenic (1); Likely pathogenic (2). 1 of the submissions does not count toward it. Last evaluated 2025-06-15.

Conditions:
Pyknodysostosis. Also called: Pycnodysostosis. Identifiers: Orphanet 763, MedGen C0238402, MONDO:0009940, OMIM 265800.

Submissions (4):

Labcorp Genetics (formerly Invitae), Labcorp
Classification: Pathogenic. Last evaluated: 2025-06-15. Review status: criteria provided, single submitter. Criteria: Invitae Variant Classification Sherloc (09022015). Collection method: clinical testing. Allele origin: germline.
Comment: This sequence change creates a premature translational stop signal (p.Ile227Lysfs*10) in the CTSK gene. It is expected to result in an absent or disrupted protein product. Loss-of-function variants in CTSK are known to be pathogenic (PMID: 12125807, 21569238). This variant is present in population databases (rs758450569, gnomAD 0.0009%). This variant has not been reported in the literature in individuals affected with CTSK-related conditions. ClinVar contains an entry for this variant (Variation ID: 370625). For these reasons, this variant has been classified as Pathogenic.

Natera, Inc.
Classification: Likely pathogenic for Pyknodysostosis. Last evaluated: 2025-05-13. Review status: criteria provided, single submitter. Criteria: Natera Variant Classification Schema (03/2026). Collection method: clinical testing. Allele origin: germline.
Comment: The c.679_680insAA variant in CTSK is a frameshift variant predicted to shift the reading frame beginning at codon 227 and leads to a stop codon 10 codons downstream. This variant is expected to result in nonsense mediated decay, truncation, or a dysfunctional protein product. This variant is rare in the general population with a frequency below the threshold expected for the associated phenotype(s). Given the available evidence, this variant is classified as Likely Pathogenic.

Baylor Genetics
Classification: Likely pathogenic for Pyknodysostosis. Last evaluated: 2022-06-15. Review status: criteria provided, single submitter. Criteria: ACMG Guidelines, 2015. Collection method: clinical testing. Allele origin: unknown.

Counsyl
Classification: Likely pathogenic for Pyknodysostosis. Last evaluated: 2016-03-11. Review status: no assertion criteria provided. Collection method: clinical testing. Allele origin: unknown. Not counted in ClinVar's aggregate classification.

Literature cited by the submitters: PubMed 12125807 (cited by Labcorp Genetics (formerly Invitae), Labcorp); PubMed 21569238 (cited by Labcorp Genetics (formerly Invitae), Labcorp).

NM_000396.4(CTSK):c.679_680insAA (p.Ile227fs)

Gene: CTSK (cathepsin K; minus strand). Cytogenetic location: 1q21.3.
Variant type: Insertion.
Coding change: c.679_680insAA on transcript NM_000396.4 (MANE Select); coding-DNA positions 679 to 680, AA inserted.
Protein change: p.Ile227fs; shifts the reading frame from isoleucine 227.
Molecular consequence: frameshift variant.
Genome position: GRCh38 VCF-style: chr1-150799648-A-ATT. GRCh37 (hg19) VCF-style: chr1-150772124-A-ATT.
Other names: short protein forms I227fs.
Identifiers: ClinVar variation 370625 (VCV000370625.9), dbSNP rs758450569, ClinGen allele CA1080455.